The following is an entry in ClinVar:

NM_001256317.3(TMPRSS3):c.643del (p.Ser215fs)

Gene: TMPRSS3 (transmembrane serine protease 3; minus strand). Cytogenetic location: 21q22.3.
Variant type: Deletion.
Coding change: c.643del on transcript NM_001256317.3 (MANE Select); coding-DNA position 643, one base deleted (T; older notation c.643delT).
Protein change: p.Ser215fs; shifts the reading frame from serine 215.
Molecular consequence: frameshift variant.
Genome position (GRCh38, 1-based): chr21:42,383,172, A deleted on the plus strand (T on the coding strand, the reverse complement: TMPRSS3 is on the minus strand). VCF-style (leftmost placement, unchanged base first): chr21-42383171-GA-G. GRCh37 (hg19) VCF-style: chr21-43803280-GA-G.
Other names: c.643del (NM_024022.3); c.643del, p.Ser215fs (NM_024022.4, NM_032405.2); c.262del, p.Ser88fs (NM_032404.3); short protein forms S215fs, S88fs.
Identifiers: ClinVar variation 3005895 (VCV003005895.4), dbSNP rs1439288458, ClinGen allele CA638062126.

ClinVar aggregate classification (germline): Pathogenic/Likely pathogenic. Review status: criteria provided, multiple submitters, no conflicts (2 of 4 stars). 2 submissions from 2 submitters: Pathogenic (1); Likely pathogenic (1). Last evaluated 2024-02-06.

Conditions:
Autosomal recessive nonsyndromic hearing loss 8 (DFNB8). Also called: NEUROSENSORY NONSYNDROMIC RECESSIVE DEAFNESS 8; Deafness, autosomal recessive 10. Identifiers: Orphanet 90636, MedGen C1832827, MONDO:0010987, OMIM 601072.

Allele frequency attached by ClinVar (database versions not stated): gnomAD exomes below 0.00001; TOPMed below 0.00001; gnomAD 0.00001.

Submissions (2):

Fulgent Genetics
Classification: Likely pathogenic for Autosomal recessive nonsyndromic hearing loss 8. Last evaluated: 2024-02-06. Review status: criteria provided, single submitter. Criteria: ACMG Guidelines, 2015. Collection method: clinical testing. Allele origin: germline.

Labcorp Genetics (formerly Invitae), Labcorp
Classification: Pathogenic. Last evaluated: 2023-10-06. Review status: criteria provided, single submitter. Criteria: Invitae Variant Classification Sherloc (09022015). Collection method: clinical testing. Allele origin: germline.
Comment: This sequence change creates a premature translational stop signal (p.Ser215Hisfs*60) in the TMPRSS3 gene. It is expected to result in an absent or disrupted protein product. Loss-of-function variants in TMPRSS3 are known to be pathogenic (PMID: 16021470, 26969326). This variant is present in population databases (no rsID available, gnomAD 0.0009%). This variant has not been reported in the literature in individuals affected with TMPRSS3-related conditions. For these reasons, this variant has been classified as Pathogenic.

Literature cited by the submitters: PubMed 16021470 (cited by Labcorp Genetics (formerly Invitae), Labcorp); PubMed 26969326 (cited by Labcorp Genetics (formerly Invitae), Labcorp).